The following is an entry in ClinVar:

NM_000138.5(FBN1):c.2114-5T>G

Gene: FBN1 (fibrillin 1; minus strand). Cytogenetic location: 15q21.1.
Variant type: single nucleotide variant.
Coding change: c.2114-5T>G on transcript NM_000138.5 (MANE Select); 5 bases into the intron before coding-DNA position 2114, T replaced by G.
Molecular consequence: intron variant.
Genome position (GRCh38, 1-based): chr15:48,499,043, A>C on the plus strand (T>G on the coding strand, the complement: FBN1 is on the minus strand). VCF-style: chr15-48499043-A-C. GRCh37 (hg19) VCF-style: chr15-48791240-A-C.
Other names: c.2114-5T>G (NM_001406716.1).
Identifiers: ClinVar variation 2922434 (VCV002922434.4), dbSNP rs2505580527, ClinGen allele CA2740096669.

ClinVar aggregate classification (germline): Pathogenic/Likely pathogenic. Review status: criteria provided, multiple submitters, no conflicts (2 of 4 stars). 2 submissions from 2 submitters: Pathogenic (1); Likely pathogenic (1). Last evaluated 2024-02-26.

Conditions:
FBN1-related disorder. Also called: FBN1-related disorders.
Marfan syndrome (MFS). Also called: MARFAN SYNDROME, TYPE I; Marfan syndrome type 1; Marfan's syndrome; Marfan syndrome, classic; FBN1-Related Marfan Syndrome. Identifiers: Orphanet 284963, Orphanet 558, MedGen C0024796, MONDO:0007947, OMIM 154700.
Familial thoracic aortic aneurysm and aortic dissection (TAAD). Also called: Thoracic aortic aneurysms and dissections. Identifiers: Orphanet 91387, MedGen C4707243, MONDO:0019625.

Submissions (2):

Labcorp Genetics (formerly Invitae), Labcorp
Classification: Pathogenic for Marfan syndrome; Familial thoracic aortic aneurysm and aortic dissection. Last evaluated: 2024-02-26. Review status: criteria provided, single submitter. Criteria: Invitae Variant Classification Sherloc (09022015). Collection method: clinical testing. Allele origin: germline.
Comment: This sequence change falls in intron 17 of the FBN1 gene. It does not directly change the encoded amino acid sequence of the FBN1 protein. This variant is not present in population databases (gnomAD no frequency). This variant has been observed in individual(s) with Marfan syndrome (Invitae). In at least one individual the variant was observed to be de novo. Algorithms developed to predict the effect of sequence changes on RNA splicing suggest that this variant may disrupt the consensus splice site. For these reasons, this variant has been classified as Pathogenic.

Blueprint Genetics
Classification: Likely pathogenic for FBN1-related disorders. Last evaluated: 2021-12-30. Review status: criteria provided, single submitter. Criteria: ACMG Guidelines, 2015. Collection method: clinical testing. Allele origin: germline. Affected: yes. Observed: 1 variant allele.